The following is an entry in ClinVar:

ClinVar aggregate classification (germline): Likely benign (1 of 4 stars; one submission).

Conditions:
PLEC-related disorder. Also called: PLEC-related disorders; PLEC-related condition.

gnomAD v4.1: 8 of 1,598,902 alleles (0.0005%); highest among the groups gnomAD compares: African/African-American, 0.004%; no homozygotes.

Submission:

PreventionGenetics, part of Exact Sciences
Classification: Likely benign for PLEC-related condition. Last evaluated: 2026-04-29. Review status: criteria provided, single submitter. Criteria: ACMG Guidelines, 2015. Collection method: clinical testing. Allele origin: germline.
Comment: This variant is classified as likely benign based on ACMG/AMP sequence variant interpretation guidelines (Richards et al. 2015 PMID: 25741868, with internal and published modifications).

NM_201384.3(PLEC):c.2748C>G (p.Thr916=)

Gene: PLEC (plectin; minus strand). Cytogenetic location: 8q24.3.
Variant type: single nucleotide variant.
Coding change: c.2748C>G on transcript NM_201384.3 (MANE Select); coding-DNA position 2748, C replaced by G.
Protein change: p.Thr916=; no amino-acid change (threonine 916 retained).
Molecular consequence: synonymous variant.
Genome position (GRCh38, 1-based): chr8:143,929,821, G>C on the plus strand (C>G on the coding strand, the complement: PLEC is on the minus strand). VCF-style: chr8-143929821-G-C. GRCh37 (hg19) VCF-style: chr8-145003989-G-C.
Other names: c.2829C>G, p.Thr943= (NM_000445.5, NM_001410941.1); c.2706C>G, p.Thr902= (NM_201378.4); c.2682C>G, p.Thr894= (NM_201379.3); c.3159C>G, p.Thr1053= (NM_201380.4); c.2652C>G, p.Thr884= (NM_201381.3); c.2748C>G, p.Thr916= (NM_201382.4); c.2760C>G, p.Thr920= (NM_201383.3).
Identifiers: ClinVar variation 4989388 (VCV004989388.1).